The following is an entry in ClinVar:

NM_025137.4(SPG11):c.1377C>T (p.Gly459=)

Gene: SPG11 (SPG11 vesicle trafficking associated, spatacsin; minus strand). Cytogenetic location: 15q21.1.
Variant type: single nucleotide variant.
Coding change: c.1377C>T on transcript NM_025137.4 (MANE Select); coding-DNA position 1377, C replaced by T.
Protein change: p.Gly459=; no amino-acid change (glycine 459 retained).
Molecular consequence: synonymous variant.
Genome position (GRCh38, 1-based): chr15:44,651,570, G>A on the plus strand (C>T on the coding strand, the complement: SPG11 is on the minus strand). VCF-style: chr15-44651570-G-A. GRCh37 (hg19) VCF-style: chr15-44943768-G-A.
Other names: p.Gly459=; c.1377C>T, p.Gly459= (NM_001160227.2).
Identifiers: ClinVar variation 489333 (VCV000489333.12), dbSNP rs768183449, ClinGen allele CA7535568.

ClinVar aggregate classification (germline): Uncertain significance. Review status: criteria provided, multiple submitters, no conflicts (2 of 4 stars). 7 submissions from 5 submitters: Uncertain significance (7). Last evaluated 2024-01-11.

Conditions:
Amyotrophic lateral sclerosis type 5 (ALS5). Also called: AMYOTROPHIC LATERAL SCLEROSIS 5, JUVENILE. Identifiers: Orphanet 300605, MedGen C1865864, MONDO:0011196, OMIM 602099.
Charcot-Marie-Tooth disease axonal type 2X. Also called: CHARCOT-MARIE-TOOTH DISEASE, AXONAL, AUTOSOMAL RECESSIVE, TYPE 2X; CHARCOT-MARIE-TOOTH NEUROPATHY, TYPE 2X. Identifiers: Orphanet 466775, MedGen C5569024, MONDO:0014726, OMIM 616668.
Hereditary spastic paraplegia. Also called: Familial spastic paraparesis. Identifiers: Orphanet 685, MedGen C0037773, MONDO:0019064. Disease mechanism: loss of function.
Hereditary spastic paraplegia 11. Also called: Nakamura Osame syndrome; Autosomal recessive hereditary spastic paraplegia, mental impairment, and thin corpus callosum; SPASTIC PARAPLEGIA, AUTOSOMAL RECESSIVE, COMPLICATED, WITH THIN CORPUS CALLOSUM; SPASTIC PARAPLEGIA, AUTOSOMAL RECESSIVE, WITH MENTAL IMPAIRMENT AND THIN CORPUS CALLOSUM; Spastic Paraplegia 11; Spastic paraplegia, mental retardation and thin corpus callosum. Identifiers: Orphanet 2822, MedGen C1858479, MONDO:0011445, OMIM 604360.

Allele frequency attached by ClinVar (database versions not stated): gnomAD exomes below 0.00001; ExAC 0.00001.
gnomAD v4.1: 1 of 1,614,180 alleles (0.000062%); highest among the groups gnomAD compares: Non-Finnish European, 0.000085%; no homozygotes.

Submissions (7):

Mayo Clinic Laboratories, Mayo Clinic
Classification: Uncertain significance. Last evaluated: 2024-01-11. Review status: criteria provided, single submitter. Criteria: ACMG Guidelines, 2015. Collection method: clinical testing. Allele origin: germline. Observed: 1 variant allele.
Comment: PP3, PM2_moderate

Labcorp Genetics (formerly Invitae), Labcorp
Classification: Uncertain significance for Hereditary spastic paraplegia 11. Last evaluated: 2021-09-01. Review status: criteria provided, single submitter. Criteria: Invitae Variant Classification Sherloc (09022015). Collection method: clinical testing. Allele origin: germline.
Comment: This sequence change affects codon 459 of the SPG11 mRNA. It is a 'silent' change, meaning that it does not change the encoded amino acid sequence of the SPG11 protein. This variant is present in population databases (rs768183449, ExAC 0.001%). This variant has not been reported in the literature in individuals affected with SPG11-related conditions. ClinVar contains an entry for this variant (Variation ID: 489333). Algorithms developed to predict the effect of sequence changes on RNA splicing suggest that this variant may create or strengthen a splice site. In summary, the available evidence is currently insufficient to determine the role of this variant in disease. Therefore, it has been classified as a Variant of Uncertain Significance.

GeneDx
Classification: Uncertain significance. Last evaluated: 2018-01-08. Review status: criteria provided, single submitter. Criteria: GeneDx Variant Classification (06012015). Collection method: clinical testing. Allele origin: germline. Affected: yes.
Comment: The c.1377C>T variant in the SPG11 gene has not been reported previously as a pathogenic variant nor as a benign variant, to our knowledge. This change is predicted to create a new cryptic splice donor site in exon 6, and is expected to cause abnormal gene splicing. However, in the absence of RNA/functional studies, the actual effect of c.1377C>T in this individual is unknown. The c.1377C>T variant is not observed in large population cohorts (Lek et al., 2016). We interpret c.1377C>T as a variant of uncertain significance.

Genome Diagnostics Laboratory, The Hospital for Sick Children
Classification: Uncertain significance for Hereditary spastic paraplegia. Last evaluated: 2016-12-12. Review status: criteria provided, single submitter. Criteria: ACMG Guidelines, 2015. Collection method: clinical testing. Allele origin: germline. Affected: yes.

Genome-Nilou Lab
Classification: Uncertain significance for Amyotrophic lateral sclerosis type 5. Review status: criteria provided, single submitter. Criteria: ACMG Guidelines, 2015. Collection method: clinical testing. Allele origin: germline.

Genome-Nilou Lab
Classification: Uncertain significance for Charcot-Marie-Tooth disease axonal type 2X. Review status: criteria provided, single submitter. Criteria: ACMG Guidelines, 2015. Collection method: clinical testing. Allele origin: germline.

Genome-Nilou Lab
Classification: Uncertain significance for Hereditary spastic paraplegia 11. Review status: criteria provided, single submitter. Criteria: ACMG Guidelines, 2015. Collection method: clinical testing. Allele origin: germline.